The following is an entry in ClinVar:

ClinVar aggregate classification (germline): Likely benign. Review status: criteria provided, multiple submitters, no conflicts (2 of 4 stars). 2 submissions from 2 submitters: Likely benign (2). Last evaluated 2025-04-03.

Conditions:
Hypertrophic cardiomyopathy. Also called: HYPERTROPHIC MYOCARDIOPATHY. Identifiers: Orphanet 217569, MedGen C0007194, MeSH D002312, MONDO:0005045, HP:0001639.

Allele frequency attached by ClinVar (database versions not stated): gnomAD exomes below 0.00001.
gnomAD v4.1: 3 of 1,598,146 alleles (0.00019%); highest among the groups gnomAD compares: Non-Finnish European, 0.00026%; no homozygotes.

Submissions (2):

Labcorp Genetics (formerly Invitae), Labcorp
Classification: Likely benign for Hypertrophic cardiomyopathy. Last evaluated: 2025-04-03. Review status: criteria provided, single submitter. Criteria: Invitae Variant Classification Sherloc (09022015). Collection method: clinical testing. Allele origin: germline.

GeneDx
Classification: Likely benign. Last evaluated: 2016-11-02. Review status: criteria provided, single submitter. Criteria: GeneDx Variant Classification (06012015). Collection method: clinical testing. Allele origin: germline. Affected: yes.
Comment: This variant is considered likely benign or benign based on one or more of the following criteria: it is a conservative change, it occurs at a poorly conserved position in the protein, it is predicted to be benign by multiple in silico algorithms, and/or has population frequency not consistent with disease.

NM_001018005.2(TPM1):c.375-17C>T

Gene: TPM1 (tropomyosin 1; plus strand). Cytogenetic location: 15q22.2.
Variant type: single nucleotide variant.
Coding change: c.375-17C>T on transcript NM_001018005.2 (MANE Select); 17 bases into the intron before coding-DNA position 375, C replaced by T.
Molecular consequence: intron variant.
Genome position (GRCh38, 1-based): chr15:63,059,546, C>T. VCF-style: chr15-63059546-C-T. GRCh37 (hg19) VCF-style: chr15-63351745-C-T.
Other names: c.501-17C>T (NM_001365778.1); c.375-17C>T (NM_001018020.2, NM_001018007.2, NM_001018006.2 and 6 more transcripts); c.267-17C>T (NM_001330351.2, NM_001330344.2, NM_001018008.2 and 5 more transcripts).
Identifiers: ClinVar variation 390495 (VCV000390495.2), dbSNP rs1057523797, ClinGen allele CA16606752.